The following is an entry in ClinVar:

NM_021954.4(GJA3):c.125A>C (p.Glu42Ala)

Gene: GJA3 (gap junction protein alpha 3; minus strand). Cytogenetic location: 13q12.11.
Variant type: single nucleotide variant.
Coding change: c.125A>C on transcript NM_021954.4 (MANE Select); coding-DNA position 125, A replaced by C.
Protein change: p.Glu42Ala; replaces glutamic acid 42 with alanine.
Molecular consequence: missense variant.
Genome position (GRCh38, 1-based): chr13:20,143,164, T>G on the plus strand (A>C on the coding strand, the complement: GJA3 is on the minus strand). VCF-style: chr13-20143164-T-G. GRCh37 (hg19) VCF-style: chr13-20717303-T-G.
Other names: short protein forms E42A.
Identifiers: ClinVar variation 3253679 (VCV003253679.1), dbSNP rs2500174196.

ClinVar aggregate classification (germline): Uncertain significance (1 of 4 stars; one submission).

Conditions:
Cataract 14 multiple types. Also called: CATARACT 14, ZONULAR PULVERULENT; CATARACT 14, NUCLEAR PULVERULENT; CATARACT 14, NUCLEAR PULVERULENT AND POSTERIOR POLAR; CATARACT 14, NUCLEAR CORALLIFORM; CATARACT 14, EMBRYONAL NUCLEAR; CATARACT 14, COPPOCK-LIKE. Identifiers: Orphanet 91492, MedGen C1866078, MONDO:0011162, OMIM 601885.

Submission:

Dept. Genetics and Cancer, Menzies Institute for Medical Research, University of Tasmania
Classification: Uncertain significance for Cataract 14 multiple types. Last evaluated: 2023-01-21. Review status: criteria provided, single submitter. Criteria: ACMG Guidelines, 2015. Collection method: curation. Allele origin: germline. Affected: yes.
Comment: Variant identified and curated during a GJA3 specific review of the literature in relation to pediatric or congenital cataract. ACMG-AMP criteria applied: PM1, PM2(Supporting), PP3. Original variant report: PMID:25549162. The cataract phenotype reported for this variant is: Pulverulent nuclear. Gene review and curation guidelines are outlined in: DOI 10.1080/17469899.2023.2160320

Literature cited by the submitters: PubMed 25549162.